The following is an entry in ClinVar:

ClinVar aggregate classification (germline): Uncertain significance (1 of 4 stars; one submission).

Conditions:
Neuroblastoma, susceptibility to, 3. Also called: ALK-Related Neuroblastic Tumor Susceptibility. Identifiers: Orphanet 635, MedGen C2751681, MONDO:0013083, OMIM 613014.

Submission:

Labcorp Genetics (formerly Invitae), Labcorp
Classification: Uncertain significance for Neuroblastoma, susceptibility to, 3. Last evaluated: 2025-08-29. Review status: criteria provided, single submitter. Criteria: Invitae Variant Classification Sherloc (09022015). Collection method: clinical testing. Allele origin: germline.
Comment: This sequence change replaces alanine, which is neutral and non-polar, with proline, which is neutral and non-polar, at codon 29 of the ALK protein (p.Ala29Pro). This variant is not present in population databases (gnomAD no frequency). This variant has not been reported in the literature in individuals affected with ALK-related conditions. An algorithm developed to predict the effect of missense changes on protein structure and function outputs the following: PolyPhen-2: "Benign". The proline amino acid residue is found in multiple mammalian species, which suggests that this missense change does not adversely affect protein function. In summary, the available evidence is currently insufficient to determine the role of this variant in disease. Therefore, it has been classified as a Variant of Uncertain Significance.

NM_004304.5(ALK):c.85G>C (p.Ala29Pro)

Gene: ALK (ALK receptor tyrosine kinase; minus strand). Cytogenetic location: 2p23.1.
Variant type: single nucleotide variant.
Coding change: c.85G>C on transcript NM_004304.5 (MANE Select); coding-DNA position 85, G replaced by C.
Protein change: p.Ala29Pro; replaces alanine 29 with proline.
Molecular consequence: missense variant.
Genome position (GRCh38, 1-based): chr2:29,920,575, C>G on the plus strand (G>C on the coding strand, the complement: ALK is on the minus strand). VCF-style: chr2-29920575-C-G. GRCh37 (hg19) VCF-style: chr2-30143441-C-G.
Other names: short protein forms A29P.
Identifiers: ClinVar variation 4699362 (VCV004699362.1).